The following is an entry in ClinVar:

NM_007055.4(POLR3A):c.120C>T (p.Asn40=)

Gene: POLR3A (RNA polymerase III subunit A; minus strand). Cytogenetic location: 10q22.3.
Variant type: single nucleotide variant.
Coding change: c.120C>T on transcript NM_007055.4 (MANE Select); coding-DNA position 120, C replaced by T.
Protein change: p.Asn40=; no amino-acid change (asparagine 40 retained).
Molecular consequence: synonymous variant.
Genome position (GRCh38, 1-based): chr10:78,026,154, G>A on the plus strand (C>T on the coding strand, the complement: POLR3A is on the minus strand). VCF-style: chr10-78026154-G-A. GRCh37 (hg19) VCF-style: chr10-79785912-G-A.
Other names: p.Asn40=.
Identifiers: ClinVar variation 1596269 (VCV001596269.9), dbSNP rs200284369, ClinGen allele CA5571795.

ClinVar aggregate classification (germline): Likely benign. Review status: criteria provided, multiple submitters, no conflicts (2 of 4 stars). 2 submissions from 2 submitters: Likely benign (2). Last evaluated 2025-06-05.

Allele frequency attached by ClinVar (database versions not stated): ExAC 0.00003; gnomAD exomes 0.00004 and 0.00010; gnomAD 0.00006; TOPMed 0.00006; 1000 Genomes Project 30x 0.00016; 1000 Genomes Project 0.00020.

Submissions (2):

Mayo Clinic Laboratories, Mayo Clinic
Classification: Likely benign. Last evaluated: 2025-06-05. Review status: criteria provided, single submitter. Criteria: ACMG Guidelines, 2015. Collection method: clinical testing. Allele origin: germline. Observed: 1 variant allele.
Comment: BP4, BP7

Labcorp Genetics (formerly Invitae), Labcorp
Classification: Likely benign. Last evaluated: 2025-03-06. Review status: criteria provided, single submitter. Criteria: Invitae Variant Classification Sherloc (09022015). Collection method: clinical testing. Allele origin: germline.